The following is an entry in ClinVar:

NM_000094.4(COL7A1):c.8506G>A (p.Val2836Ile)

Gene: COL7A1 (collagen type VII alpha 1 chain; minus strand). Cytogenetic location: 3p21.31.
Variant type: single nucleotide variant.
Coding change: c.8506G>A on transcript NM_000094.4 (MANE Select); coding-DNA position 8506, G replaced by A.
Protein change: p.Val2836Ile; replaces valine 2836 with isoleucine.
Molecular consequence: missense variant.
Genome position (GRCh38, 1-based): chr3:48,565,431, C>T on the plus strand (G>A on the coding strand, the complement: COL7A1 is on the minus strand). VCF-style: chr3-48565431-C-T. GRCh37 (hg19) VCF-style: chr3-48602864-C-T.
Other names: short protein forms V2836I.
Identifiers: ClinVar variation 3707703 (VCV003707703.2).

ClinVar aggregate classification (germline): Uncertain significance (1 of 4 stars; one submission).

gnomAD v4.1: 15 of 1,611,782 alleles (0.00093%); highest among the groups gnomAD compares: East Asian, 0.0045%; no homozygotes.

Submission:

Labcorp Genetics (formerly Invitae), Labcorp
Classification: Uncertain significance. Last evaluated: 2024-11-14. Review status: criteria provided, single submitter. Criteria: Invitae Variant Classification Sherloc (09022015). Collection method: clinical testing. Allele origin: germline.
Comment: This sequence change replaces valine, which is neutral and non-polar, with isoleucine, which is neutral and non-polar, at codon 2836 of the COL7A1 protein (p.Val2836Ile). The frequency data for this variant in the population databases is considered unreliable, as metrics indicate poor data quality at this position in the gnomAD database. This variant has not been reported in the literature in individuals affected with COL7A1-related conditions. Invitae Evidence Modeling of protein sequence and biophysical properties (such as structural, functional, and spatial information, amino acid conservation, physicochemical variation, residue mobility, and thermodynamic stability) indicates that this missense variant is not expected to disrupt COL7A1 protein function with a negative predictive value of 95%. In summary, the available evidence is currently insufficient to determine the role of this variant in disease. Therefore, it has been classified as a Variant of Uncertain Significance.